The following is an entry in ClinVar:

NM_017780.4(CHD7):c.5625T>C (p.Pro1875=)

Gene: CHD7 (chromodomain helicase DNA binding protein 7; plus strand). Cytogenetic location: 8q12.2.
Variant type: single nucleotide variant.
Coding change: c.5625T>C on transcript NM_017780.4 (MANE Select); coding-DNA position 5625, T replaced by C.
Protein change: p.Pro1875=; no amino-acid change (proline 1875 retained).
Molecular consequence: synonymous variant. On other transcripts: intron variant (1).
Genome position (GRCh38, 1-based): chr8:60,851,279, T>C. VCF-style: chr8-60851279-T-C. GRCh37 (hg19) VCF-style: chr8-61763838-T-C.
Other names: c.1717-10950T>C (NM_001316690.1).
Identifiers: ClinVar variation 260909 (VCV000260909.39), dbSNP rs764844969, ClinGen allele CA4760424.

ClinVar aggregate classification (germline): Likely benign. Review status: criteria provided, multiple submitters, no conflicts (2 of 4 stars). 6 submissions from 6 submitters: Likely benign (6). Last evaluated 2026-09-02.

Conditions:
Inborn genetic diseases. Identifiers: MedGen C0950123, MeSH D030342.
CHARGE syndrome (CHARGE). Also called: Hittner Hirsch Kreh syndrome; Coloboma, heart anomaly, choanal atresia, retardation, genital and ear anomalies; CHARGE association; Hall-Hittner syndrome; CHARGE ASSOCIATION--COLOBOMA, HEART ANOMALY, CHOANAL ATRESIA, RETARDATION, GENITAL AND EAR ANOMALIES. Identifiers: Orphanet 138, MedGen C0265354, MONDO:0008965.

Allele frequency attached by ClinVar (database versions not stated): gnomAD exomes 0.00002 and 0.00004; gnomAD 0.00003 and 0.00004; ExAC 0.00008; TOPMed 0.00009.
gnomAD v4.1: 36 of 1,557,042 alleles (0.0023%); highest among the groups gnomAD compares: Middle Eastern, 0.13%; no homozygotes.

Submissions (6):

Ambry Genetics
Classification: Likely benign for Inborn genetic diseases. Last evaluated: 2026-09-02. Review status: criteria provided, single submitter. Criteria: Ambry Variant Classification Scheme 2023. Collection method: clinical testing. Allele origin: germline.

Labcorp Genetics (formerly Invitae), Labcorp
Classification: Likely benign for CHARGE syndrome. Last evaluated: 2026-01-22. Review status: criteria provided, single submitter. Criteria: Invitae Variant Classification Sherloc (09022015). Collection method: clinical testing. Allele origin: germline.

CeGaT Center for Human Genetics Tuebingen
Classification: Likely benign. Last evaluated: 2025-01-01. Review status: criteria provided, single submitter. Criteria: CeGaT Center For Human Genetics Tuebingen Variant Classification Criteria Version 2. Collection method: clinical testing. Allele origin: germline. Affected: yes. Observed: 2 variant alleles.
Comment: CHD7: BP4, BP7

Blueprint Genetics
Classification: Likely benign. Last evaluated: 2024-11-25. Review status: criteria provided, single submitter. Criteria: ACMG Guidelines, 2015. Collection method: clinical testing. Allele origin: germline.

GeneDx
Classification: Likely benign. Last evaluated: 2021-03-01. Review status: criteria provided, single submitter. Criteria: GeneDx Variant Classification Process June 2021. Collection method: clinical testing. Allele origin: germline. Affected: yes.

PreventionGenetics, part of Exact Sciences
Classification: Likely benign. Review status: criteria provided, single submitter. Criteria: ACMG Guidelines, 2015. Collection method: clinical testing. Allele origin: germline.